The following is an entry in ClinVar:

ClinVar aggregate classification (germline): Uncertain significance (1 of 4 stars; one submission).

Conditions:
Cardiac arrhythmia. Also called: Arrhythmia; Cardiac rhythm disease. Identifiers: MedGen C0003811, MONDO:0007263, HP:0011675.

gnomAD v4.1: 2 of 1,612,350 alleles (0.00012%); highest among the groups gnomAD compares: Non-Finnish European, 0.00017%; no homozygotes.

Submission:

Color Diagnostics, LLC DBA Color Health
Classification: Uncertain significance for Cardiac arrhythmia. Last evaluated: 2025-08-24. Review status: criteria provided, single submitter. Criteria: ACMG Guidelines, 2015. Collection method: clinical testing. Allele origin: germline.
Comment: This missense variant replaces valine with methionine at codon 659 of the KCNH2 protein. Computational prediction suggests that this variant may have deleterious impact on protein structure and function. To our knowledge, functional studies have not been reported for this variant. This variant has not been reported in individuals affected with KCNH2-related disorders in the literature. This variant has not been identified in the general population by the Genome Aggregation Database (gnomAD). The available evidence is insufficient to determine the role of this variant in disease conclusively. Therefore, this variant is classified as a Variant of Uncertain Significance.

NM_000238.4(KCNH2):c.1975G>A (p.Val659Met)

Gene: KCNH2 (potassium voltage-gated channel subfamily H member 2; minus strand). Cytogenetic location: 7q36.1.
Variant type: single nucleotide variant.
Coding change: c.1975G>A on transcript NM_000238.4 (MANE Select); coding-DNA position 1975, G replaced by A.
Protein change: p.Val659Met; replaces valine 659 with methionine.
Molecular consequence: missense variant. On other transcripts: non-coding transcript variant (2).
Genome position (GRCh38, 1-based): chr7:150,951,091, C>T on the plus strand (G>A on the coding strand, the complement: KCNH2 is on the minus strand). VCF-style: chr7-150951091-C-T. GRCh37 (hg19) VCF-style: chr7-150648179-C-T.
Other names: c.955G>A, p.Val319Met (NM_172057.3, NM_001204798.2); c.1687G>A, p.Val563Met (NM_001406753.1, NM_001406756.1); c.1798G>A, p.Val600Met (NM_001406755.1); c.1675G>A, p.Val559Met (NM_001406757.1); c.1975G>A, p.Val659Met (NM_172056.3); short protein forms V319M, V559M, V563M, V600M, V659M.
Identifiers: ClinVar variation 4757906 (VCV004757906.1).
Genomic context (GRCh38, chr7:150,951,091, plus strand): 5'-GCAGCATCTGTGTGTGGTAGCGGGCTGTGCCCGAGTACAGCCGCTGGATGATGGCCGACA[C>T]GTTGCCGAAGATGCTAGCATACATGAGGGCTGGGGGCGTGGGCACGTGGGGCCGTCAGCC-3'
Protein context (NP_000229.1, residues 649-669): SLMYASIFGN[Val659Met]SAIIQRLYSG